The following is an entry in ClinVar:

ClinVar aggregate classification (germline): Uncertain significance (1 of 4 stars; one submission).

Conditions:
Familial melanoma. Also called: Hereditary melanoma; Hereditary cutaneous melanoma. Identifiers: Orphanet 618, MedGen C1512419, MONDO:0018961.

Submission:

Labcorp Genetics (formerly Invitae), Labcorp
Classification: Uncertain significance for Familial melanoma. Last evaluated: 2025-03-11. Review status: criteria provided, single submitter. Criteria: Invitae Variant Classification Sherloc (09022015). Collection method: clinical testing. Allele origin: germline.
Comment: This sequence change replaces leucine, which is neutral and non-polar, with isoleucine, which is neutral and non-polar, at codon 34 of the CDK4 protein (p.Leu34Ile). This variant is not present in population databases (gnomAD no frequency). This variant has not been reported in the literature in individuals affected with CDK4-related conditions. An algorithm developed to predict the effect of missense changes on protein structure and function (PolyPhen-2) suggests that this variant is likely to be disruptive. In summary, the available evidence is currently insufficient to determine the role of this variant in disease. Therefore, it has been classified as a Variant of Uncertain Significance.

NM_000075.4(CDK4):c.100C>A (p.Leu34Ile)

Gene: CDK4 (cyclin dependent kinase 4; minus strand). Cytogenetic location: 12q14.1.
Variant type: single nucleotide variant.
Coding change: c.100C>A on transcript NM_000075.4 (MANE Select); coding-DNA position 100, C replaced by A.
Protein change: p.Leu34Ile; replaces leucine 34 with isoleucine.
Molecular consequence: missense variant.
Genome position (GRCh38, 1-based): chr12:57,751,618, G>T on the plus strand (C>A on the coding strand, the complement: CDK4 is on the minus strand). VCF-style: chr12-57751618-G-T. GRCh37 (hg19) VCF-style: chr12-58145401-G-T.
Other names: short protein forms L34I.
Identifiers: ClinVar variation 4700574 (VCV004700574.1).
Genomic context (GRCh38, chr12:57,751,618, plus strand): 5'-CTGTGCTGATGGGAAGGCCTCCTCCACCTCCTCCTCCATTGGGGACTCTCACACTCTTGA[G>T]GGCCACAAAGTGGCCACTGTGGGGATCACGGGCCTTGTACACTGTCCCATAGGCACCGAC-3'
Protein context (NP_000066.1, residues 24-44): RDPHSGHFVA[Leu34Ile]KSVRVPNGGG